The following is an entry in ClinVar:

ClinVar aggregate classification (germline): Uncertain significance. Review status: criteria provided, multiple submitters, no conflicts (2 of 4 stars). 2 submissions from 2 submitters: Uncertain significance (2). Last evaluated 2024-12-09.

Conditions:
Familial episodic pain syndrome with predominantly upper body involvement. Also called: Familial episodic pain syndrome 1. Identifiers: Orphanet 391384, Orphanet 391389, MedGen C3808667, MONDO:0014021, OMIM 615040.

Allele frequency attached by ClinVar (database versions not stated): ESP Exome Variant Server 0.00008; gnomAD exomes 0.00008 and 0.00009; gnomAD 0.00010; TOPMed 0.00011; ExAC 0.00012.
gnomAD v4.1: 142 of 1,613,938 alleles (0.0088%); highest among the groups gnomAD compares: Non-Finnish European, 0.011%; no homozygotes.

Submissions (2):

Ambry Genetics
Classification: Uncertain significance. Last evaluated: 2024-12-09. Review status: criteria provided, single submitter. Criteria: Ambry Variant Classification Scheme 2023. Collection method: clinical testing. Allele origin: germline.

Baylor Genetics
Classification: Uncertain significance for Familial episodic pain syndrome with predominantly upper body involvement. Last evaluated: 2018-01-02. Review status: criteria provided, single submitter. Criteria: ACMG Guidelines, 2015. Collection method: clinical testing. Allele origin: unknown. Affected: yes.
Comment: This variant was determined to be of uncertain significance according to ACMG Guidelines, 2015 [PMID:25741868].

NM_007332.3(TRPA1):c.925C>T (p.His309Tyr)

Gene: TRPA1 (transient receptor potential cation channel subfamily A member 1; minus strand). Cytogenetic location: 8q21.11.
Variant type: single nucleotide variant.
Coding change: c.925C>T on transcript NM_007332.3 (MANE Select); coding-DNA position 925, C replaced by T.
Protein change: p.His309Tyr; replaces histidine 309 with tyrosine.
Molecular consequence: missense variant.
Genome position (GRCh38, 1-based): chr8:72,061,644, G>A on the plus strand (C>T on the coding strand, the complement: TRPA1 is on the minus strand). VCF-style: chr8-72061644-G-A. GRCh37 (hg19) VCF-style: chr8-72973879-G-A.
Other names: short protein forms H309Y.
Identifiers: ClinVar variation 1034381 (VCV001034381.4), dbSNP rs143084160, ClinGen allele CA4781077.
Genomic context (GRCh38, chr8:72,061,644, plus strand): 5'-GATGAAAAATCTGTATACAGAATGATAGGTAGGAAACTTGCCTGTGAAGCATGGTCTCAT[G>A]ACATCCATCGGTTGTGTTAACAATATCCACGCTACCAGAATAGGACGATATCATCAGTTT-3'
Protein context (NP_015628.2, residues 299-319): VDIVNTTDGC[His309Tyr]ETMLHRASLF